The following is an entry in ClinVar:

NM_016239.4(MYO15A):c.4122del (p.Phe1374fs)

Gene: MYO15A (myosin XVA; plus strand). Cytogenetic location: 17p11.2.
Variant type: Deletion.
Coding change: c.4122del on transcript NM_016239.4 (MANE Select); coding-DNA position 4122, one base deleted (T; older notation c.4122delT).
Protein change: p.Phe1374fs; shifts the reading frame from phenylalanine 1374.
Molecular consequence: frameshift variant.
Genome position (GRCh38, 1-based): chr17:18,131,322, T deleted; the last of 3 consecutive T bases (chr17:18,131,320-18,131,322); deleting any one gives the same sequence. VCF-style (leftmost placement, unchanged base first): chr17-18131319-GT-G. GRCh37 (hg19) VCF-style: chr17-18034633-GT-G.
Other names: c.4122delT (NM_016239.4); short protein forms F1374fs.
Identifiers: ClinVar variation 3370469 (VCV003370469.1).
Genomic context (GRCh38, chr17:18,131,319, plus strand): 5'-CTTGGAGTCCTTCGGTAATGCCAAAACCGTCAGGAACGACAACTCCAGCCGCTTTGGGAA[GT>G]TTGTGGAAATCTTTCTGGAAGGGTGAGTTGGGACAGTGGAGGGCCTCCCAAAAGCCTTGC-3'

ClinVar aggregate classification (germline): Pathogenic (1 of 4 stars; one submission).

Conditions:
Autosomal recessive nonsyndromic hearing loss 3. Also called: NEUROSENSORY NONSYNDROMIC RECESSIVE DEAFNESS 3. Identifiers: Orphanet 90636, MedGen C1838263, MONDO:0010860, OMIM 600316.

Submission:

ENT and Head and Neck Research Center and Department,  The Five Senses Health Institute, Iran University of Medical Sciences
Classification: Pathogenic for Autosomal recessive nonsyndromic hearing loss 3. Last evaluated: 2024-11-02. Review status: criteria provided, single submitter. Criteria: ClinGen HL ACMG Specifications v1. Collection method: clinical testing. Allele origin: germline. Affected: yes.
Comment: PVS1: Null variant (frame-shift) in gene MYO15A, predicted to cause NMD. Loss-of-function is a known mechanism of disease (gene has 448 reported pathogenic LOF variants). The exon affects 1 functional domain: UniProt protein MYO15_HUMAN domain 'Myosin motor'. The exon contains 3 pathogenic variants. The truncated region contains 388 pathogenic variants., PM2: Variant not found in gnomAD genomes, PM3: For recessive disorders, identifying a variant in trans

Literature cited by the submitters: DOI 10.1038/s41598-025-99417-7.